The following is an entry in ClinVar:

ClinVar aggregate classification (germline): Uncertain significance (1 of 4 stars; one submission).

Conditions:
Inborn genetic diseases. Identifiers: MedGen C0950123, MeSH D030342.

Submission:

Ambry Genetics
Classification: Uncertain significance for Inborn genetic diseases. Last evaluated: 2025-05-11. Review status: criteria provided, single submitter. Criteria: Ambry Variant Classification Scheme 2023. Collection method: clinical testing. Allele origin: germline.
Comment: The p.M872L variant (also known as c.2614A>T), located in coding exon 28 of the FANCA gene, results from an A to T substitution at nucleotide position 2614. The methionine at codon 872 is replaced by leucine, an amino acid with highly similar properties. This amino acid position is conserved. In addition, this alteration is predicted to be tolerated by in silico analysis. Based on the available evidence, the clinical significance of this variant remains unclear.

NM_000135.4(FANCA):c.2614A>T (p.Met872Leu)

Genes: FANCA (FA complementation group A; minus strand), LOC130059837 (ATAC-STARR-seq lymphoblastoid active region 11420; plus strand). Cytogenetic location: 16q24.3.
Variant type: single nucleotide variant.
Coding change: c.2614A>T on transcript NM_000135.4 (MANE Select); coding-DNA position 2614, A replaced by T.
Protein change: p.Met872Leu; replaces methionine 872 with leucine.
Molecular consequence: missense variant.
Genome position (GRCh38, 1-based): chr16:89,765,054, T>A on the plus strand (A>T on the coding strand, the complement: FANCA is on the minus strand). VCF-style: chr16-89765054-T-A. GRCh37 (hg19) VCF-style: chr16-89831462-T-A.
Other names: c.2614A>T, p.Met872Leu (NM_001286167.3); short protein forms M872L.
Identifiers: ClinVar variation 4022262 (VCV004022262.1).